The following is an entry in ClinVar:

ClinVar aggregate classification (germline): Uncertain significance (1 of 4 stars; one submission).

Conditions:
Oto-palato-digital syndrome, type II (OPD2). Also called: FACIOPALATOOSSEOUS SYNDROME; OPD II SYNDROME; Otopalatodigital Syndrome, Type II; Otopalatodigital Syndrome Type 2 (FLNA-OPD2). Identifiers: Orphanet 669, Orphanet 90652, MedGen C1844696, MONDO:0010571, OMIM 304120.
Frontometaphyseal dysplasia (FMD1). Identifiers: Orphanet 1826, MedGen C0265293, MONDO:0015942.
Melnick-Needles syndrome (MNS). Also called: MELNICK-NEEDLES OSTEODYSPLASTY; OSTEODYSPLASTY OF MELNICK AND NEEDLES; Melnick-Needles Syndrome (FLNA-MNS). Identifiers: Orphanet 2484, MedGen C0025237, MONDO:0010650, OMIM 309350.
Heterotopia, periventricular, X-linked dominant (PVNH1). Also called: PERIVENTRICULAR NODULAR HETEROTOPIA 1; PERIVENTRICULAR NODULAR HETEROTOPIA 4; HETEROTOPIA, PERIVENTRICULAR, 1; X-linked periventricular heterotopia. Identifiers: Orphanet 2149, Orphanet 82004, MedGen C1848213, MONDO:0010233, OMIM 300049.

Allele frequency attached by ClinVar (database versions not stated): gnomAD exomes below 0.00001; TOPMed below 0.00001.
gnomAD v4.1: 1 of 1,211,701 alleles (0.000083%); highest among the groups gnomAD compares: Non-Finnish European, 0.00011%; no homozygotes.

Submission:

Labcorp Genetics (formerly Invitae), Labcorp
Classification: Uncertain significance for Oto-palato-digital syndrome, type II; Heterotopia, periventricular, X-linked dominant; Frontometaphyseal dysplasia; Melnick-Needles syndrome. Last evaluated: 2024-10-28. Review status: criteria provided, single submitter. Criteria: Invitae Variant Classification Sherloc (09022015). Collection method: clinical testing. Allele origin: germline.
Comment: This sequence change falls in intron 10 of the FLNA gene. It does not directly change the encoded amino acid sequence of the FLNA protein. It affects a nucleotide within the consensus splice site. This variant is not present in population databases (gnomAD no frequency). This variant has not been reported in the literature in individuals affected with FLNA-related conditions. ClinVar contains an entry for this variant (Variation ID: 2047307). Variants that disrupt the consensus splice site are a relatively common cause of aberrant splicing (PMID: 17576681, 9536098). Algorithms developed to predict the effect of sequence changes on RNA splicing suggest that this variant is not likely to affect RNA splicing. In summary, the available evidence is currently insufficient to determine the role of this variant in disease. Therefore, it has been classified as a Variant of Uncertain Significance.

Literature cited by the submitters: PubMed 17576681; PubMed 9536098.

NM_001110556.2(FLNA):c.1568-3C>T

Gene: FLNA (filamin A; minus strand). Cytogenetic location: Xq28.
Variant type: single nucleotide variant.
Coding change: c.1568-3C>T on transcript NM_001110556.2 (MANE Select); 3 bases into the intron before coding-DNA position 1568, C replaced by T.
Molecular consequence: intron variant.
Genome position (GRCh38, 1-based): chrX:154,365,262, G>A on the plus strand (C>T on the coding strand, the complement: FLNA is on the minus strand). VCF-style: chrX-154365262-G-A. GRCh37 (hg19) VCF-style: chrX-153593630-G-A.
Other names: c.1568-3C>T (NM_001456.4).
Identifiers: ClinVar variation 2047307 (VCV002047307.4), dbSNP rs2067748774, ClinGen allele CA2466658007.